The following is an entry in ClinVar:

NM_001365951.3(KIF1B):c.3674C>T (p.Pro1225Leu)

Gene: KIF1B (kinesin family member 1B; plus strand). Cytogenetic location: 1p36.22.
Variant type: single nucleotide variant.
Coding change: c.3674C>T on transcript NM_001365951.3 (MANE Select); coding-DNA position 3674, C replaced by T.
Protein change: p.Pro1225Leu; replaces proline 1225 with leucine.
Molecular consequence: missense variant.
Genome position (GRCh38, 1-based): chr1:10,343,273, C>T. VCF-style: chr1-10343273-C-T. GRCh37 (hg19) VCF-style: chr1-10403331-C-T.
Other names: c.3674C>T, p.Pro1225Leu (NM_001365952.1); c.3536C>T, p.Pro1179Leu (NM_015074.3); short protein forms P1179L, P1225L.
Identifiers: ClinVar variation 4776498 (VCV004776498.1).

ClinVar aggregate classification (germline): Uncertain significance (1 of 4 stars; one submission).

Conditions:
Charcot-Marie-Tooth disease type 2. Also called: Charcot-Marie-Tooth type 2. Identifiers: Orphanet 64746, MedGen C0270914, MONDO:0018993.

gnomAD v4.1: 2 of 1,614,080 alleles (0.00012%); highest among the groups gnomAD compares: East Asian, 0.0045%; no homozygotes.

Submission:

Labcorp Genetics (formerly Invitae), Labcorp
Classification: Uncertain significance for Charcot-Marie-Tooth disease type 2. Last evaluated: 2025-10-27. Review status: criteria provided, single submitter. Criteria: Invitae Variant Classification Sherloc (09022015). Collection method: clinical testing. Allele origin: germline.
Comment: This sequence change replaces proline, which is neutral and non-polar, with leucine, which is neutral and non-polar, at codon 1179 of the KIF1B protein (p.Pro1179Leu). This variant is not present in population databases (gnomAD no frequency). This variant has not been reported in the literature in individuals affected with KIF1B-related conditions. An algorithm developed to predict the effect of missense changes on protein structure and function (PolyPhen-2) suggests that this variant is likely to be disruptive. In summary, the available evidence is currently insufficient to determine the role of this variant in disease. Therefore, it has been classified as a Variant of Uncertain Significance.